The following is an entry in ClinVar:

ClinVar aggregate classification (germline): Likely benign (1 of 4 stars; one submission).

Allele frequency attached by ClinVar (database versions not stated): 1000 Genomes Project 0.00080; 1000 Genomes Project 30x 0.00094; TOPMed 0.00746; gnomAD 0.00776; gnomAD exomes 0.01109.
gnomAD v4.1: 9,296 of 890,618 alleles (1%); highest among the groups gnomAD compares: Non-Finnish European, 1.4%; 73 homozygotes.

Submission:

GeneDx
Classification: Likely benign. Last evaluated: 2019-04-07. Review status: criteria provided, single submitter. Criteria: GeneDx Variant Classification Process June 2021. Collection method: clinical testing. Allele origin: germline. Affected: yes.
Comment: See Variant Classification Assertion Criteria.

NM_000262.3(NAGA):c.324+118A>G

Genes: NAGA (alpha-N-acetylgalactosaminidase; minus strand), LOC126863160 (CDK7 strongly-dependent group 2 enhancer GRCh37_chr22:42462918-42464117; plus strand). Cytogenetic location: 22q13.2.
Variant type: single nucleotide variant.
Coding change: c.324+118A>G on transcript NM_000262.3 (MANE Select); 118 bases into the intron after coding-DNA position 324, A replaced by G.
Molecular consequence: intron variant.
Genome position (GRCh38, 1-based): chr22:42,067,647, T>C on the plus strand (A>G on the coding strand, the complement: NAGA is on the minus strand). VCF-style: chr22-42067647-T-C. GRCh37 (hg19) VCF-style: chr22-42463651-T-C.
Other names: c.324+118A>G (NM_001362850.1, NM_001362848.1).
Identifiers: ClinVar variation 1707398 (VCV001707398.2), dbSNP rs561074029, ClinGen allele CA324656746.